The following is an entry in ClinVar:

NM_015909.4(NBAS):c.4854C>T (p.His1618=)

Gene: NBAS (NBAS subunit of NRZ tethering complex; minus strand). Cytogenetic location: 2p24.3.
Variant type: single nucleotide variant.
Coding change: c.4854C>T on transcript NM_015909.4 (MANE Select); coding-DNA position 4854, C replaced by T.
Protein change: p.His1618=; no amino-acid change (histidine 1618 retained).
Molecular consequence: synonymous variant. On other transcripts: non-coding transcript variant (1).
Genome position (GRCh38, 1-based): chr2:15,292,710, G>A on the plus strand (C>T on the coding strand, the complement: NBAS is on the minus strand). VCF-style: chr2-15292710-G-A. GRCh37 (hg19) VCF-style: chr2-15432834-G-A.
Identifiers: ClinVar variation 752284 (VCV000752284.32), dbSNP rs371291813, ClinGen allele CA1535477.

ClinVar aggregate classification (germline): Likely benign. Review status: criteria provided, multiple submitters, no conflicts (2 of 4 stars). 3 submissions from 3 submitters: Likely benign (3). Last evaluated 2026-05-28.

Conditions:
NBAS-related disorder. Also called: NBAS-related condition.

Allele frequency attached by ClinVar (database versions not stated): ExAC 0.00003; gnomAD 0.00003 and 0.00004; gnomAD exomes 0.00004; TOPMed 0.00004; ESP Exome Variant Server 0.00008.
gnomAD v4.1: 73 of 1,614,056 alleles (0.0045%); highest among the groups gnomAD compares: Non-Finnish European, 0.0055%; no homozygotes.

Submissions (3):

PreventionGenetics, part of Exact Sciences
Classification: Likely benign for NBAS-related condition. Last evaluated: 2026-05-28. Review status: criteria provided, single submitter. Criteria: ACMG Guidelines, 2015. Collection method: clinical testing. Allele origin: germline.
Comment: This variant is classified as likely benign based on ACMG/AMP sequence variant interpretation guidelines (Richards et al. 2015 PMID: 25741868, with internal and published modifications).

Labcorp Genetics (formerly Invitae), Labcorp
Classification: Likely benign. Last evaluated: 2025-12-23. Review status: criteria provided, single submitter. Criteria: Invitae Variant Classification Sherloc (09022015). Collection method: clinical testing. Allele origin: germline.

CeGaT Center for Human Genetics Tuebingen
Classification: Likely benign. Last evaluated: 2022-04-01. Review status: criteria provided, single submitter. Criteria: CeGaT Center For Human Genetics Tuebingen Variant Classification Criteria Version 2. Collection method: clinical testing. Allele origin: germline. Affected: yes. Observed: 1 variant allele.
Comment: NBAS: BP4, BP7